The following is an entry in ClinVar:

ClinVar aggregate classification (germline): Likely pathogenic (1 of 4 stars; one submission).

Conditions:
Dilated cardiomyopathy 1G (CMD1G). Identifiers: Orphanet 154, MedGen C1858763, MONDO:0011400, OMIM 604145.
Autosomal recessive limb-girdle muscular dystrophy type 2J (LGMDR10). Also called: Limb-girdle muscular dystrophy, type 2J; MUSCULAR DYSTROPHY, LIMB-GIRDLE, AUTOSOMAL RECESSIVE 10. Identifiers: Orphanet 140922, MedGen C1837342, MONDO:0012127, OMIM 608807.

Submission:

Labcorp Genetics (formerly Invitae), Labcorp
Classification: Likely pathogenic for Dilated cardiomyopathy 1G; Autosomal recessive limb-girdle muscular dystrophy type 2J. Last evaluated: 2023-12-21. Review status: criteria provided, single submitter. Criteria: Invitae Variant Classification Sherloc (09022015). Collection method: clinical testing. Allele origin: germline.
Comment: This sequence change creates a premature translational stop signal (p.Asn34266Tyrfs*8) in the TTN gene. While this is not anticipated to result in nonsense mediated decay, it is expected to create a truncated TTN protein. This variant is not present in population databases (gnomAD no frequency). This variant has not been reported in the literature in individuals affected with TTN-related conditions. This variant is located in the M band of TTN (PMID: 25589632). Truncating variants in this region have been previously reported in individuals affected with autosomal recessive myopathy and muscular dystrophy (PMID: 18948003, 23975875, 24395473). Truncating variants in this region have also been identified in individuals affected with autosomal dominant dilated cardiomyopathy and/or cardio-related conditions (PMID: 27869827, 32964742). In summary, the currently available evidence indicates that the variant is pathogenic, but additional data are needed to prove that conclusively. Therefore, this variant has been classified as Likely Pathogenic.

Literature cited by the submitters: PubMed 25589632; PubMed 18948003; PubMed 23975875; PubMed 24395473; PubMed 27869827; PubMed 32964742.

NM_001267550.2(TTN):c.102796_102798delinsTATA (p.Asn34266fs)

Genes: TTN (titin; minus strand), TTN-AS1 (TTN antisense RNA 1; plus strand). Cytogenetic location: 2q31.2.
Variant type: Indel.
Coding change: c.102796_102798delinsTATA on transcript NM_001267550.2 (MANE Select); coding-DNA positions 102796 to 102798, AAT replaced by TATA.
Protein change: p.Asn34266fs; shifts the reading frame from asparagine 34266.
Molecular consequence: frameshift variant.
Genome position (GRCh38, 1-based): chr2:178,533,817-178,533,819, ATT replaced by TATA on the plus strand (AAT replaced by TATA on the coding strand, the reverse complement: TTN is on the minus strand). VCF-style: chr2-178533817-ATT-TATA. GRCh37 (hg19) VCF-style: chr2-179398544-ATT-TATA.
Other names: c.97873_97875delinsTATA, p.Asn32625fs (NM_001256850.1); c.75601_75603delinsTATA, p.Asn25201fs (NM_003319.4); c.95092_95094delinsTATA, p.Asn31698fs (NM_133378.4); c.75976_75978delinsTATA, p.Asn25326fs (NM_133432.3); c.76177_76179delinsTATA, p.Asn25393fs (NM_133437.4); short protein forms N25201fs, N31698fs, N25393fs, N25326fs, N32625fs, N34266fs.
Identifiers: ClinVar variation 405180 (VCV000405180.5), dbSNP rs1060500589, ClinGen allele CA16610191.